The following is an entry in ClinVar:

NM_013275.6(ANKRD11):c.2290G>A (p.Glu764Lys)

Gene: ANKRD11 (ankyrin repeat domain containing 11; minus strand). Cytogenetic location: 16q24.3.
Variant type: single nucleotide variant.
Coding change: c.2290G>A on transcript NM_013275.6 (MANE Select); coding-DNA position 2290, G replaced by A.
Protein change: p.Glu764Lys; replaces glutamic acid 764 with lysine.
Molecular consequence: missense variant.
Genome position (GRCh38, 1-based): chr16:89,284,252, C>T on the plus strand (G>A on the coding strand, the complement: ANKRD11 is on the minus strand). VCF-style: chr16-89284252-C-T. GRCh37 (hg19) VCF-style: chr16-89350660-C-T.
Other names: c.2290G>A, p.Glu764Lys (NM_001256182.2, NM_001256183.2); short protein forms E764K.
Identifiers: ClinVar variation 2636746 (VCV002636746.1), dbSNP rs2034489230, ClinGen allele CA397162757.
Genomic context (GRCh38, chr16:89,284,252, plus strand): 5'-CTTTTAAATCATTCTTCTTCTCTAATTTTGAGGGCCGGTCTTTTGATTTCTTCTTTCTCT[C>T]CTCTTTGTACAGTCTCAGTTTTTCTTCTTTCGGAGACTTTTCCTTCAGCGATCTCTCCTT-3'
Protein context (NP_037407.4, residues 754-774): KEEKLRLYKE[Glu764Lys]RKKKSKDRPS

ClinVar aggregate classification (germline): Uncertain significance (1 of 4 stars; one submission).

Conditions:
ANKRD11-related disorder. Also called: ANKRD11-related condition.

Allele frequency attached by ClinVar (database versions not stated): gnomAD exomes below 0.00001; TOPMed 0.00001.
gnomAD v4.1: 6 of 1,613,500 alleles (0.00037%); highest among the groups gnomAD compares: Non-Finnish European, 0.00051%; no homozygotes.

Submission:

PreventionGenetics, part of Exact Sciences
Classification: Uncertain significance for ANKRD11-related condition. Last evaluated: 2022-11-15. Review status: criteria provided, single submitter. Criteria: ACMG Guidelines, 2015. Collection method: clinical testing. Allele origin: germline.
Comment: The ANKRD11 c.2290G>A variant is predicted to result in the amino acid substitution p.Glu764Lys. To our knowledge, this variant has not been reported in the literature or in a large population database, indicating this variant is rare. At this time, the clinical significance of this variant is uncertain due to the absence of conclusive functional and genetic evidence.